The following is an entry in ClinVar:

NM_001184.4(ATR):c.7645C>T (p.Pro2549Ser)

Gene: ATR (ATR checkpoint kinase; minus strand). Cytogenetic location: 3q23.
Variant type: single nucleotide variant.
Coding change: c.7645C>T on transcript NM_001184.4 (MANE Select); coding-DNA position 7645, C replaced by T.
Protein change: p.Pro2549Ser; replaces proline 2549 with serine.
Molecular consequence: missense variant.
Genome position (GRCh38, 1-based): chr3:142,457,614, G>A on the plus strand (C>T on the coding strand, the complement: ATR is on the minus strand). VCF-style: chr3-142457614-G-A. GRCh37 (hg19) VCF-style: chr3-142176456-G-A.
Other names: c.7453C>T, p.Pro2485Ser (NM_001354579.2); short protein forms P2549S, P2485S.
Identifiers: ClinVar variation 3714497 (VCV003714497.2).

ClinVar aggregate classification (germline): Uncertain significance (1 of 4 stars; one submission).

Submission:

Labcorp Genetics (formerly Invitae), Labcorp
Classification: Uncertain significance. Last evaluated: 2024-04-11. Review status: criteria provided, single submitter. Criteria: Invitae Variant Classification Sherloc (09022015). Collection method: clinical testing. Allele origin: germline.
Comment: This sequence change replaces proline, which is neutral and non-polar, with serine, which is neutral and polar, at codon 2549 of the ATR protein (p.Pro2549Ser). This variant is not present in population databases (gnomAD no frequency). This variant has not been reported in the literature in individuals affected with ATR-related conditions. An algorithm developed to predict the effect of missense changes on protein structure and function (PolyPhen-2) suggests that this variant is likely to be disruptive. In summary, the available evidence is currently insufficient to determine the role of this variant in disease. Therefore, it has been classified as a Variant of Uncertain Significance.